The following is an entry in ClinVar:

ClinVar aggregate classification (germline): Likely benign. Review status: criteria provided, multiple submitters, no conflicts (2 of 4 stars). 10 submissions from 10 submitters: Likely benign (7). 3 of the submissions do not count toward it. Last evaluated 2026-08-01.

Conditions:
DYNC1H1-related disorder. Also called: DYNC1H1-related disorders; DYNC1H1-related condition. Identifiers: MedGen CN381529.
Inborn genetic diseases. Identifiers: MedGen C0950123, MeSH D030342.
Charcot-Marie-Tooth disease axonal type 2O. Also called: CHARCOT-MARIE-TOOTH NEUROPATHY, AXONAL, TYPE 2O; CHARCOT-MARIE-TOOTH DISEASE, AXONAL, AUTOSOMAL DOMINANT, TYPE 2O; Charcot-Marie-Tooth disease, axonal, type 20; Charcot-Marie-Tooth Neuropathy Type 2O. Identifiers: Orphanet 284232, MedGen C3280220, MONDO:0013644, OMIM 614228.

Allele frequency attached by ClinVar (database versions not stated): ESP Exome Variant Server 0.00008; gnomAD 0.00019 and 0.00020; TOPMed 0.00019; gnomAD exomes 0.00021; ExAC 0.00024.
gnomAD v4.1: 468 of 1,613,970 alleles (0.029%); highest among the groups gnomAD compares: Non-Finnish European, 0.038%; 2 homozygotes.

Submissions (10):

CeGaT Center for Human Genetics Tuebingen
Classification: Likely benign. Last evaluated: 2026-08-01. Review status: criteria provided, single submitter. Criteria: CeGaT Center For Human Genetics Tuebingen Variant Classification Criteria Version 2. Collection method: clinical testing. Allele origin: germline. Affected: yes. Observed: 5 variant alleles.
Comment: DYNC1H1: BP4, BS2

Labcorp Genetics (formerly Invitae), Labcorp
Classification: Likely benign for Charcot-Marie-Tooth disease axonal type 2O. Last evaluated: 2026-01-24. Review status: criteria provided, single submitter. Criteria: Invitae Variant Classification Sherloc (09022015). Collection method: clinical testing. Allele origin: germline.

PreventionGenetics, part of Exact Sciences
Classification: Likely benign for DYNC1H1-related condition. Last evaluated: 2025-09-03. Review status: criteria provided, single submitter. Criteria: ACMG Guidelines, 2015. Collection method: clinical testing. Allele origin: germline.
Comment: This variant is classified as likely benign based on ACMG/AMP sequence variant interpretation guidelines (Richards et al. 2015 PMID: 25741868, with internal and published modifications).

Blueprint Genetics
Classification: Likely benign. Last evaluated: 2024-09-17. Review status: criteria provided, single submitter. Criteria: ACMG Guidelines, 2015. Collection method: clinical testing. Allele origin: germline.

ARUP Laboratories, Molecular Genetics and Genomics, ARUP Laboratories
Classification: Likely benign. Last evaluated: 2022-02-10. Review status: criteria provided, single submitter. Criteria: ARUP Molecular Germline Variant Investigation Process 2021. Collection method: clinical testing. Allele origin: germline.

GeneDx
Classification: Likely benign. Last evaluated: 2019-04-26. Review status: criteria provided, single submitter. Criteria: GeneDx Variant Classification Process June 2021. Collection method: clinical testing. Allele origin: germline. Affected: yes.
Comment: This variant is associated with the following publications: (PMID: 22368300, 32376792)

Ambry Genetics
Classification: Likely benign for Inborn genetic diseases. Last evaluated: 2018-03-28. Review status: criteria provided, single submitter. Criteria: Ambry Variant Classification Scheme 2023. Collection method: clinical testing. Allele origin: germline.

Clinical Genetics DNA and cytogenetics Diagnostics Lab, Erasmus MC, Erasmus Medical Center
Classification: Likely benign. Review status: no assertion criteria provided. Collection method: clinical testing. Allele origin: germline. Affected: yes. Study: VKGL Data-share Consensus. Not counted in ClinVar's aggregate classification.

Clinical Genetics, Academic Medical Center
Classification: Likely benign. Review status: no assertion criteria provided. Collection method: clinical testing. Allele origin: germline. Affected: yes. Study: VKGL Data-share Consensus. Not counted in ClinVar's aggregate classification.

Genome Diagnostics Laboratory, University Medical Center Utrecht
Classification: Likely benign. Review status: no assertion criteria provided. Collection method: clinical testing. Allele origin: germline. Affected: yes. Study: VKGL Data-share Consensus. Not counted in ClinVar's aggregate classification.

NM_001376.5(DYNC1H1):c.13808G>T (p.Ser4603Ile)

Gene: DYNC1H1 (dynein cytoplasmic 1 heavy chain 1; plus strand). Cytogenetic location: 14q32.31.
Variant type: single nucleotide variant.
Coding change: c.13808G>T on transcript NM_001376.5 (MANE Select); coding-DNA position 13808, G replaced by T.
Protein change: p.Ser4603Ile; replaces serine 4603 with isoleucine.
Molecular consequence: missense variant.
Genome position (GRCh38, 1-based): chr14:102,050,194, G>T. VCF-style: chr14-102050194-G-T. GRCh37 (hg19) VCF-style: chr14-102516531-G-T.
Other names: short protein forms S4603I.
Identifiers: ClinVar variation 238996 (VCV000238996.48), dbSNP rs200731839, ClinGen allele CA7354361.
Genomic context (GRCh38, chr14:102,050,194, plus strand): 5'-CCGCCCTTCCCCTGACGCAGCTGCGCTGGGTCAAGCAGACAAACACCGAGAAGAAGGCCA[G>T]TGTGGTAAGGAGGCACTGCCTTTCCCAGGCATTCTGCAGGGACCCCTGCGGTAACAAGGG-3'
Protein context (NP_001367.2, residues 4593-4613): VKQTNTEKKA[Ser4603Ile]VVTLPVYLNF